The following is an entry in ClinVar:

ClinVar aggregate classification (germline): Pathogenic. Review status: criteria provided, multiple submitters, no conflicts (2 of 4 stars). 2 submissions from 2 submitters: Pathogenic (2). Last evaluated 2024-10-09.

Conditions:
Autosomal recessive hypophosphatemic bone disease (HHRH). Also called: HYPERCALCIURIC RICKETS; Hypophosphatemic rickets with hypercalciuria. Identifiers: Orphanet 157215, MedGen C1853271, MONDO:0009431, OMIM 241530.

Submissions (2):

Victorian Clinical Genetics Services, Murdoch Childrens Research Institute
Classification: Pathogenic for Autosomal recessive hypophosphatemic bone disease. Last evaluated: 2024-10-09. Review status: criteria provided, single submitter. Criteria: ACMG Guidelines, 2015. Collection method: clinical testing. Allele origin: germline. Inheritance: Autosomal recessive inheritance.
Comment: Based on the classification scheme VCGS_Germline_v1.3.4, this variant is classified as Pathogenic. Following criteria are met: 0102 - Loss of function is a known mechanism of disease in this gene and is associated with hypophosphatemic rickets with hypercalciuria (MIM#241530). (I) 0106 - This gene is associated with autosomal recessive disease. (I) 0115 - Variants in this gene are known to have variable expressivity. Approximately 45% of compound heterozygotes present with rickets (PMID: 32524022). (I) 0201 - Variant is predicted to cause nonsense-mediated decay (NMD) and loss of protein (premature termination codon is located at least 54 nucleotides upstream of the final exon-exon junction). (SP) 0252 - This variant is homozygous. (I) 0301 - Variant is absent from gnomAD (v2, v3 and v4). (SP) 0701 - Other NMD-predicted variants comparable to the one identified in this case have very strong previous evidence for pathogenicity. Many NMD-predicted variants have been reported as pathogenic or likely pathogenic (ClinVar). (SP) 0803 - This variant has limited previous evidence of pathogenicity in an unrelated individual. This variant has been reported once as pathogenic (ClinVar). (SP) 0905 - No published segregation evidence has been identified for this variant. (I) 1007 - No published functional evidence has been identified for this variant. (I) Legend: (SP) - Supporting pathogenic, (I) - Information, (SB) - Supporting benign

Labcorp Genetics (formerly Invitae), Labcorp
Classification: Pathogenic. Last evaluated: 2021-09-09. Review status: criteria provided, single submitter. Criteria: Invitae Variant Classification Sherloc (09022015). Collection method: clinical testing. Allele origin: germline.
Comment: This sequence change creates a premature translational stop signal (p.Gly337Alafs*7) in the SLC34A3 gene. It is expected to result in an absent or disrupted protein product. Loss-of-function variants in SLC34A3 are known to be pathogenic (PMID: 16358214, 16358215, 22159077). This variant is not present in population databases (ExAC no frequency). This variant has not been reported in the literature in individuals affected with SLC34A3-related conditions. For these reasons, this variant has been classified as Pathogenic.

Literature cited by the submitters: PubMed 32524022 (cited by Victorian Clinical Genetics Services, Murdoch Childrens Research Institute); PubMed 16358214 (cited by Labcorp Genetics (formerly Invitae), Labcorp); PubMed 16358215 (cited by Labcorp Genetics (formerly Invitae), Labcorp); PubMed 22159077 (cited by Labcorp Genetics (formerly Invitae), Labcorp).

NM_001177316.2(SLC34A3):c.1008_1009dup (p.Gly337fs)

Gene: SLC34A3 (solute carrier family 34 member 3; plus strand). Cytogenetic location: 9q34.3.
Variant type: Duplication.
Coding change: c.1008_1009dup on transcript NM_001177316.2 (MANE Select); coding-DNA positions 1008 to 1009, 2 bases duplicated (CG; older notation c.1008_1009dupCG).
Protein change: p.Gly337fs; shifts the reading frame from glycine 337.
Molecular consequence: frameshift variant.
Genome position (GRCh38, 1-based): chr9:137,234,191-137,234,192, CG duplicated; duplicating any 2 consecutive bases within chr9:137,234,190-137,234,192 gives the same sequence; the c. name uses the placement nearest the transcript's 3' end. VCF-style (leftmost placement, unchanged base first): chr9-137234189-T-TGC. GRCh37 (hg19) VCF-style: chr9-140128641-T-TGC.
Other names: c.1008_1009dup, p.Gly337fs (NM_001177317.2, NM_080877.3); c.1008_1009dupCG (NM_001177316.1); short protein forms G337fs.
Identifiers: ClinVar variation 1422510 (VCV001422510.8), dbSNP rs2131415051, ClinGen allele CA2573144330.